The following is an entry in ClinVar:

NM_002907.4(RECQL):c.566T>G (p.Val189Gly)

Gene: RECQL (RecQ like helicase; minus strand). Cytogenetic location: 12p12.1.
Variant type: single nucleotide variant.
Coding change: c.566T>G on transcript NM_002907.4 (MANE Select); coding-DNA position 566, T replaced by G.
Protein change: p.Val189Gly; replaces valine 189 with glycine.
Molecular consequence: missense variant.
Genome position (GRCh38, 1-based): chr12:21,483,510, A>C on the plus strand (T>G on the coding strand, the complement: RECQL is on the minus strand). VCF-style: chr12-21483510-A-C. GRCh37 (hg19) VCF-style: chr12-21636444-A-C.
Other names: c.566T>G, p.Val189Gly (NM_032941.3); short protein forms V189G.
Identifiers: ClinVar variation 2562119 (VCV002562119.4), dbSNP rs1015267023, ClinGen allele CA233574540.

ClinVar aggregate classification (germline): Uncertain significance. Review status: criteria provided, multiple submitters, no conflicts (2 of 4 stars). 2 submissions from 2 submitters: Uncertain significance (2). Last evaluated 2025-07-28.

Allele frequency attached by ClinVar (database versions not stated): gnomAD 0.00001.
gnomAD v4.1: 3 of 1,586,790 alleles (0.00019%); highest among the groups gnomAD compares: South Asian, 0.0012%; no homozygotes.

Submissions (2):

Ambry Genetics
Classification: Uncertain significance. Last evaluated: 2025-07-28. Review status: criteria provided, single submitter. Criteria: Ambry Variant Classification Scheme 2023. Collection method: clinical testing. Allele origin: germline.
Comment: The p.V189G variant (also known as c.566T>G), located in coding exon 5 of the RECQL gene, results from a T to G substitution at nucleotide position 566. The valine at codon 189 is replaced by glycine, an amino acid with dissimilar properties. This amino acid position is conserved. In addition, this alteration is predicted to be deleterious by in silico analysis. Since supporting evidence is limited at this time, the clinical significance of this alteration remains unclear.

Quest Diagnostics Nichols Institute San Juan Capistrano
Classification: Uncertain significance. Last evaluated: 2025-01-09. Review status: criteria provided, single submitter. Criteria: Quest Diagnostics criteria. Collection method: clinical testing. Allele origin: unknown.
Comment: The RECQL c.566T>G (p.Val189Gly) variant has not been reported in individuals with RECQL-related conditions in the published literature. The frequency of this variant in the general population (Genome Aggregation Database) is uninformative in the assessment of its pathogenicity. Analysis of this variant using bioinformatics tools for the prediction of the effect of amino acid changes on protein structure and function yielded predictions that this variant is damaging. Based on the available information, we are unable to determine the clinical significance of this variant.